The following is an entry in ClinVar:

NM_001211.6(BUB1B):c.1915T>A (p.Leu639Ile)

Gene: BUB1B (BUB1 mitotic checkpoint serine/threonine kinase B; plus strand). Cytogenetic location: 15q15.1.
Variant type: single nucleotide variant.
Coding change: c.1915T>A on transcript NM_001211.6 (MANE Select); coding-DNA position 1915, T replaced by A.
Protein change: p.Leu639Ile; replaces leucine 639 with isoleucine.
Molecular consequence: missense variant.
Genome position (GRCh38, 1-based): chr15:40,206,364, T>A. VCF-style: chr15-40206364-T-A. GRCh37 (hg19) VCF-style: chr15-40498565-T-A.
Other names: short protein forms L639I.
Identifiers: ClinVar variation 3718460 (VCV003718460.2).
Genomic context (GRCh38, chr15:40,206,364, plus strand): 5'-TCCACTCCTTTTCATGAGATAATGTCCTTGAAGGATCTCCCTTCTGATCCTGAGAGACTG[T>A]TACCGGAAGAAGATCTAGATGTAAAGACCTCTGAGGACCAGCAGACAGCTTGTGGCACTA-3'
Protein context (NP_001202.5, residues 629-649): KDLPSDPERL[Leu639Ile]PEEDLDVKTS

ClinVar aggregate classification (germline): Uncertain significance (1 of 4 stars; one submission).

Conditions:
Mosaic variegated aneuploidy syndrome 1 (MVA1). Also called: Warburton-Anyane-Yeboa syndrome. Identifiers: Orphanet 1052, MedGen C1850343, MONDO:0009759, OMIM 257300.

Submission:

Labcorp Genetics (formerly Invitae), Labcorp
Classification: Uncertain significance for Mosaic variegated aneuploidy syndrome 1. Last evaluated: 2025-01-26. Review status: criteria provided, single submitter. Criteria: Invitae Variant Classification Sherloc (09022015). Collection method: clinical testing. Allele origin: germline.
Comment: This sequence change replaces leucine, which is neutral and non-polar, with isoleucine, which is neutral and non-polar, at codon 639 of the BUB1B protein (p.Leu639Ile). This variant is not present in population databases (gnomAD no frequency). This variant has not been reported in the literature in individuals affected with BUB1B-related conditions. An algorithm developed to predict the effect of missense changes on protein structure and function (PolyPhen-2) suggests that this variant is likely to be tolerated. In summary, the available evidence is currently insufficient to determine the role of this variant in disease. Therefore, it has been classified as a Variant of Uncertain Significance.